The following is an entry in ClinVar:

ClinVar aggregate classification (germline): Uncertain significance (1 of 4 stars; one submission).

Allele frequency attached by ClinVar (database versions not stated): gnomAD exomes below 0.00001; TOPMed below 0.00001.
gnomAD v4.1: 3 of 1,614,120 alleles (0.00019%); highest among the groups gnomAD compares: East Asian, 0.0022%; no homozygotes.

Submission:

Labcorp Genetics (formerly Invitae), Labcorp
Classification: Uncertain significance. Last evaluated: 2022-08-23. Review status: criteria provided, single submitter. Criteria: Invitae Variant Classification Sherloc (09022015). Collection method: clinical testing. Allele origin: germline.
Comment: In summary, the available evidence is currently insufficient to determine the role of this variant in disease. Therefore, it has been classified as a Variant of Uncertain Significance. Algorithms developed to predict the effect of missense changes on protein structure and function (SIFT, PolyPhen-2, Align-GVGD) all suggest that this variant is likely to be tolerated. ClinVar contains an entry for this variant (Variation ID: 1364966). This variant has not been reported in the literature in individuals affected with CAD-related conditions. This variant is present in population databases (no rsID available, gnomAD 0.006%). This sequence change replaces proline, which is neutral and non-polar, with leucine, which is neutral and non-polar, at codon 1852 of the CAD protein (p.Pro1852Leu).

NM_004341.5(CAD):c.5555C>T (p.Pro1852Leu)

Gene: CAD (carbamoyl-phosphate synthetase 2, aspartate transcarbamylase, and dihydroorotase; plus strand). Cytogenetic location: 2p23.3.
Variant type: single nucleotide variant.
Coding change: c.5555C>T on transcript NM_004341.5 (MANE Select); coding-DNA position 5555, C replaced by T.
Protein change: p.Pro1852Leu; replaces proline 1852 with leucine.
Molecular consequence: missense variant.
Genome position (GRCh38, 1-based): chr2:27,240,323, C>T. VCF-style: chr2-27240323-C-T. GRCh37 (hg19) VCF-style: chr2-27463191-C-T.
Other names: c.5366C>T, p.Pro1789Leu (NM_001306079.2); short protein forms P1789L, P1852L.
Identifiers: ClinVar variation 1364966 (VCV001364966.6), dbSNP rs1253759155, ClinGen allele CA346223097.